The following is an entry in ClinVar:

ClinVar aggregate classification (germline): Uncertain significance (1 of 4 stars; one submission).

Allele frequency attached by ClinVar (database versions not stated): gnomAD 0.00002; TOPMed 0.00002.
gnomAD v4.1: 62 of 1,613,958 alleles (0.0038%); highest among the groups gnomAD compares: Non-Finnish European, 0.0048%; no homozygotes.

Submission:

Labcorp Genetics (formerly Invitae), Labcorp
Classification: Uncertain significance. Last evaluated: 2021-07-14. Review status: criteria provided, single submitter. Criteria: Invitae Variant Classification Sherloc (09022015). Collection method: clinical testing. Allele origin: germline.
Comment: Advanced modeling of protein sequence and biophysical properties (such as structural, functional, and spatial information, amino acid conservation, physicochemical variation, residue mobility, and thermodynamic stability) performed at Invitae indicates that this missense variant is expected to disrupt COMP protein function. This sequence change replaces alanine with threonine at codon 653 of the COMP protein (p.Ala653Thr). The alanine residue is highly conserved and there is a small physicochemical difference between alanine and threonine. This variant is not present in population databases (ExAC no frequency). This variant has not been reported in the literature in individuals affected with COMP-related conditions. In summary, the available evidence is currently insufficient to determine the role of this variant in disease. Therefore, it has been classified as a Variant of Uncertain Significance.

NM_000095.3(COMP):c.1957G>A (p.Ala653Thr)

Gene: COMP (cartilage oligomeric matrix protein; minus strand). Cytogenetic location: 19p13.11.
Variant type: single nucleotide variant.
Coding change: c.1957G>A on transcript NM_000095.3 (MANE Select); coding-DNA position 1957, G replaced by A.
Protein change: p.Ala653Thr; replaces alanine 653 with threonine.
Molecular consequence: missense variant.
Genome position (GRCh38, 1-based): chr19:18,784,321, C>T on the plus strand (G>A on the coding strand, the complement: COMP is on the minus strand). VCF-style: chr19-18784321-C-T. GRCh37 (hg19) VCF-style: chr19-18895131-C-T.
Other names: short protein forms A653T.
Identifiers: ClinVar variation 1511790 (VCV001511790.8), dbSNP rs1416152202, ClinGen allele CA404877414.